The following is an entry in ClinVar:

NM_001015880.2(PAPSS2):c.1780G>A (p.Glu594Lys)

Gene: PAPSS2 (3'-phosphoadenosine 5'-phosphosulfate synthase 2; plus strand). Cytogenetic location: 10q23.31.
Variant type: single nucleotide variant.
Coding change: c.1780G>A on transcript NM_001015880.2 (MANE Select); coding-DNA position 1780, G replaced by A.
Protein change: p.Glu594Lys; replaces glutamic acid 594 with lysine.
Molecular consequence: missense variant.
Genome position (GRCh38, 1-based): chr10:87,745,890, G>A. VCF-style: chr10-87745890-G-A. GRCh37 (hg19) VCF-style: chr10-89505647-G-A.
Other names: c.1765G>A, p.Glu589Lys (NM_004670.4); c.1765G>A (NM_004670.3); short protein forms E589K, E594K.
Identifiers: ClinVar variation 969816 (VCV000969816.7), dbSNP rs201465674, ClinGen allele CA5589853.
Genomic context (GRCh38, chr10:87,745,890, plus strand): 5'-AGGCACAATGAGTTTGACTTCATCTCAGGAACTCGAATGAGGAAGCTCGCCCGGGAAGGA[G>A]AGAATCCCCCAGATGGCTTCATGGCCCCCAAAGCATGGAAGGTCCTGACAGATTATTACA-3'
Protein context (NP_001015880.1, residues 584-604): TRMRKLAREG[Glu594Lys]NPPDGFMAPK

ClinVar aggregate classification (germline): Uncertain significance. Review status: criteria provided, multiple submitters, no conflicts (2 of 4 stars). 3 submissions from 3 submitters: Uncertain significance (3). Last evaluated 2024-10-14.

Conditions:
Inborn genetic diseases. Identifiers: MedGen C0950123, MeSH D030342.
Spondyloepimetaphyseal dysplasia, PAPSS2 type. Also called: SEMD, PAKISTANI TYPE; BRACHYOLMIA TYPE 4 WITH MILD EPIPHYSEAL AND METAPHYSEAL CHANGES; SPONDYLODYSPLASIA AND PREMATURE PUBARCHE. Identifiers: Orphanet 93282, MedGen C2748516, MONDO:0019666, OMIM 612847.

Allele frequency attached by ClinVar (database versions not stated): TOPMed 0.00010; gnomAD exomes 0.00012 and 0.00026; ESP Exome Variant Server 0.00015; ExAC 0.00025.
gnomAD v4.1: 199 of 1,613,966 alleles (0.012%); highest among the groups gnomAD compares: Non-Finnish European, 0.012%; no homozygotes.

Submissions (3):

Blueprint Genetics
Classification: Uncertain significance. Last evaluated: 2024-10-14. Review status: criteria provided, single submitter. Criteria: ACMG Guidelines, 2015. Collection method: clinical testing. Allele origin: germline.

Ambry Genetics
Classification: Uncertain significance for Inborn genetic diseases. Last evaluated: 2024-09-02. Review status: criteria provided, single submitter. Criteria: Ambry Variant Classification Scheme 2023. Collection method: clinical testing. Allele origin: germline.

Labcorp Genetics (formerly Invitae), Labcorp
Classification: Uncertain significance for Spondyloepimetaphyseal dysplasia, PAPSS2 type. Last evaluated: 2024-01-22. Review status: criteria provided, single submitter. Criteria: Invitae Variant Classification Sherloc (09022015). Collection method: clinical testing. Allele origin: germline.
Comment: This sequence change replaces glutamic acid, which is acidic and polar, with lysine, which is basic and polar, at codon 594 of the PAPSS2 protein (p.Glu594Lys). This variant is present in population databases (rs201465674, gnomAD 0.1%). This variant has not been reported in the literature in individuals affected with PAPSS2-related conditions. ClinVar contains an entry for this variant (Variation ID: 969816). An algorithm developed to predict the effect of missense changes on protein structure and function (PolyPhen-2) suggests that this variant is likely to be disruptive. In summary, the available evidence is currently insufficient to determine the role of this variant in disease. Therefore, it has been classified as a Variant of Uncertain Significance.